The following is an entry in ClinVar:

NM_138927.4(SON):c.3608C>T (p.Pro1203Leu)

Gene: SON (SON DNA and RNA binding protein; plus strand). Cytogenetic location: 21q22.11.
Variant type: single nucleotide variant.
Coding change: c.3608C>T on transcript NM_138927.4 (MANE Select); coding-DNA position 3608, C replaced by T.
Protein change: p.Pro1203Leu; replaces proline 1203 with leucine.
Molecular consequence: missense variant. On other transcripts: non-coding transcript variant (1), intron variant (1).
Genome position (GRCh38, 1-based): chr21:33,552,839, C>T. VCF-style: chr21-33552839-C-T. GRCh37 (hg19) VCF-style: chr21-34925145-C-T.
Other names: c.3608C>T (NM_138927.2); c.3608C>T, p.Pro1203Leu (NM_001291411.2, NM_032195.3); c.245-4317C>T (NM_001291412.3); short protein forms P1203L.
Identifiers: ClinVar variation 1169799 (VCV001169799.12), dbSNP rs150717829, ClinGen allele CA10009327.
Genomic context (GRCh38, chr21:33,552,839, plus strand): 5'-CCACTGAGCAGTCAGCATTAACAGCTGAAAATACTTGGCCTACAGAGGTGCCATCATCAC[C>T]ATCTGAAGAGTCTGTATCGCAGCCTGAGCCTCCTGTGAGTCAAAGTGAGATTTCGGAGCC-3'
Protein context (NP_620305.3, residues 1193-1213): NTWPTEVPSS[Pro1203Leu]SEESVSQPEP

ClinVar aggregate classification (germline): Benign. Review status: criteria provided, multiple submitters, no conflicts (2 of 4 stars). 3 submissions from 3 submitters: Benign (2). 1 of the submissions does not count toward it. Last evaluated 2026-01-12.

Conditions:
SON-related disorder. Also called: SON-related condition.

Allele frequency attached by ClinVar (database versions not stated): gnomAD exomes 0.00012 and 0.00028; ExAC 0.00035; gnomAD 0.00128 and 0.00135; TOPMed 0.00136; ESP Exome Variant Server 0.00161; 1000 Genomes Project 30x 0.00187; 1000 Genomes Project 0.00200.
gnomAD v4.1: 381 of 1,614,124 alleles (0.024%); highest among the groups gnomAD compares: African/African-American, 0.45%; no homozygotes.

Submissions (3):

Labcorp Genetics (formerly Invitae), Labcorp
Classification: Benign. Last evaluated: 2026-01-12. Review status: criteria provided, single submitter. Criteria: Invitae Variant Classification Sherloc (09022015). Collection method: clinical testing. Allele origin: germline.

Breakthrough Genomics
Classification: Benign. Review status: criteria provided, single submitter. Criteria: ACMG Guidelines, 2015. Collection method: not provided. Allele origin: germline. Inheritance: Autosomal dominant inheritance. Affected: yes.

PreventionGenetics, part of Exact Sciences
Classification: Benign for SON-related condition. Last evaluated: 2023-12-21. Review status: no assertion criteria provided. Collection method: clinical testing. Allele origin: germline. Not counted in ClinVar's aggregate classification.
Comment: This variant is classified as benign based on ACMG/AMP sequence variant interpretation guidelines (Richards et al. 2015 PMID: 25741868, with internal and published modifications).